The following is an entry in ClinVar:

NM_001005242.3(PKP2):c.2197A>G (p.Ile733Val)

Gene: PKP2 (plakophilin 2; minus strand). Cytogenetic location: 12p11.21.
Variant type: single nucleotide variant.
Coding change: c.2197A>G on transcript NM_001005242.3 (MANE Select); coding-DNA position 2197, A replaced by G.
Protein change: p.Ile733Val; replaces isoleucine 733 with valine.
Molecular consequence: missense variant.
Genome position (GRCh38, 1-based): chr12:32,796,269, T>C on the plus strand (A>G on the coding strand, the complement: PKP2 is on the minus strand). VCF-style: chr12-32796269-T-C. GRCh37 (hg19) VCF-style: chr12-32949203-T-C.
Other names: c.2329A>G, p.Ile777Val (NM_004572.4); short protein forms I733V, I777V.
Identifiers: ClinVar variation 1521063 (VCV001521063.6), dbSNP rs749907181, ClinGen allele CA384357917.
Genomic context (GRCh38, chr12:32,796,269, plus strand): 5'-AACAGGCAGAGGCTGTAGTTTCAATGAGAAGGTCAGTACTCGGGACTGTGTCAGGAATGA[T>C]GGAAACCAAATCAGGGAGAGTTTCTTTGGCTACAAAATGAAAAAAAAAACAAAACACTTG-3'
Protein context (NP_001005242.2, residues 723-743): AKETLPDLVS[Ile733Val]IPDTVPSTDL

ClinVar aggregate classification (germline): Uncertain significance (1 of 4 stars; one submission).

Conditions:
Arrhythmogenic right ventricular dysplasia 9 (ARVD9). Also called: ARRHYTHMOGENIC RIGHT VENTRICULAR DYSPLASIA, FAMILIAL, 9; Arrhythmogenic Right Ventricular Dysplasia/Cardiomyopathy 9. Identifiers: MedGen C1836906, MONDO:0012180, OMIM 609040.

gnomAD v4.1: 1 of 1,612,596 alleles (0.000062%); highest among the groups gnomAD compares: Non-Finnish European, 0.000085%; no homozygotes.

Submission:

Labcorp Genetics (formerly Invitae), Labcorp
Classification: Uncertain significance for Arrhythmogenic right ventricular dysplasia 9. Last evaluated: 2021-11-17. Review status: criteria provided, single submitter. Criteria: Invitae Variant Classification Sherloc (09022015). Collection method: clinical testing. Allele origin: germline.
Comment: In summary, the available evidence is currently insufficient to determine the role of this variant in disease. Therefore, it has been classified as a Variant of Uncertain Significance. Algorithms developed to predict the effect of missense changes on protein structure and function (SIFT, PolyPhen-2, Align-GVGD) all suggest that this variant is likely to be tolerated. This missense change has been observed in individual(s) with dilated cardiomyopathy (PMID: 31983221). This variant is not present in population databases (gnomAD no frequency). This sequence change replaces isoleucine, which is neutral and non-polar, with valine, which is neutral and non-polar, at codon 777 of the PKP2 protein (p.Ile777Val).

Literature cited by the submitters: PubMed 31983221.